The following is an entry in ClinVar:

ClinVar aggregate classification (germline): Uncertain significance. Review status: criteria provided, multiple submitters, no conflicts (2 of 4 stars). 2 submissions from 2 submitters: Uncertain significance (2). Last evaluated 2024-12-05.

Conditions:
Multiple sulfatase deficiency (MSD). Also called: Mucosulfatidosis; Multiple Sulfatase Deficiency Disease; Sulfatidosis, Juvenile, Austin Type. Identifiers: Orphanet 585, MedGen C0268263, MONDO:0010088, OMIM 272200.
Inborn genetic diseases. Identifiers: MedGen C0950123, MeSH D030342.

gnomAD v4.1: 31 of 1,613,924 alleles (0.0019%); highest among the groups gnomAD compares: Admixed American, 0.037%; no homozygotes.

Submissions (2):

Ambry Genetics
Classification: Uncertain significance for Inborn genetic diseases. Last evaluated: 2024-12-05. Review status: criteria provided, single submitter. Criteria: Ambry Variant Classification Scheme 2023. Collection method: clinical testing. Allele origin: germline.

Labcorp Genetics (formerly Invitae), Labcorp
Classification: Uncertain significance for Multiple sulfatase deficiency. Last evaluated: 2022-10-04. Review status: criteria provided, single submitter. Criteria: Invitae Variant Classification Sherloc (09022015). Collection method: clinical testing. Allele origin: germline.
Comment: This sequence change replaces alanine, which is neutral and non-polar, with valine, which is neutral and non-polar, at codon 116 of the SUMF1 protein (p.Ala116Val). This variant is present in population databases (rs759486227, gnomAD 0.04%). This variant has not been reported in the literature in individuals affected with SUMF1-related conditions. ClinVar contains an entry for this variant (Variation ID: 1428645). Advanced modeling of protein sequence and biophysical properties (such as structural, functional, and spatial information, amino acid conservation, physicochemical variation, residue mobility, and thermodynamic stability) performed at Invitae indicates that this missense variant is not expected to disrupt SUMF1 protein function. Algorithms developed to predict the effect of sequence changes on RNA splicing suggest that this variant may create or strengthen a splice site. In summary, the available evidence is currently insufficient to determine the role of this variant in disease. Therefore, it has been classified as a Variant of Uncertain Significance.

NM_182760.4(SUMF1):c.347C>T (p.Ala116Val)

Gene: SUMF1 (sulfatase modifying factor 1; minus strand). Cytogenetic location: 3p26.1.
Variant type: single nucleotide variant.
Coding change: c.347C>T on transcript NM_182760.4 (MANE Select); coding-DNA position 347, C replaced by T.
Protein change: p.Ala116Val; replaces alanine 116 with valine.
Molecular consequence: missense variant.
Genome position (GRCh38, 1-based): chr3:4,452,973, G>A on the plus strand (C>T on the coding strand, the complement: SUMF1 is on the minus strand). VCF-style: chr3-4452973-G-A. GRCh37 (hg19) VCF-style: chr3-4494657-G-A.
Other names: c.347C>T, p.Ala116Val (NM_001164674.2, NM_001164675.2); c.347C>T (NM_182760.3); short protein forms A116V.
Identifiers: ClinVar variation 1428645 (VCV001428645.4), dbSNP rs759486227, ClinGen allele CA2230632.
Genomic context (GRCh38, chr3:4,452,973, plus strand): 5'-AATTCAGTATTACTGACTTCATAGGCATCCATGTAAAAGGCATCAATAGTAACTCTCCTC[G>A]CAGGTGCTTCCCCATCCTGCTTTATCTGAGGATCATCTGTGCCCATTGTAAATACTCCAG-3'
Protein context (NP_877437.2, residues 106-126): PQIKQDGEAP[Ala116Val]RRVTIDAFYM